The following is an entry in ClinVar:

NM_000037.4(ANK1):c.4747del (p.Ser1583fs)

Gene: ANK1 (ankyrin 1; minus strand). Cytogenetic location: 8p11.21.
Variant type: Deletion.
Coding change: c.4747del on transcript NM_000037.4 (MANE Select); coding-DNA position 4747, one base deleted (T; older notation c.4747delT).
Protein change: p.Ser1583fs; shifts the reading frame from serine 1583.
Molecular consequence: frameshift variant. On other transcripts: intron variant (1).
Genome position (GRCh38, 1-based): chr8:41,672,703, A deleted on the plus strand (T on the coding strand, the reverse complement: ANK1 is on the minus strand). VCF-style (leftmost placement, unchanged base first): chr8-41672702-GA-G. GRCh37 (hg19) VCF-style: chr8-41530220-GA-G.
Other names: c.4870del, p.Ser1624fs (NM_001142446.2); c.4747del, p.Ser1583fs (NM_020475.3, NM_020476.3); c.4538-277del (NM_020477.3); short protein forms S1624fs, S1583fs.
Identifiers: ClinVar variation 2035927 (VCV002035927.4), dbSNP rs2487638564, ClinGen allele CA2580078265.

ClinVar aggregate classification (germline): Pathogenic (1 of 4 stars; one submission).

Submission:

Labcorp Genetics (formerly Invitae), Labcorp
Classification: Pathogenic. Last evaluated: 2023-01-14. Review status: criteria provided, single submitter. Criteria: Invitae Variant Classification Sherloc (09022015). Collection method: clinical testing. Allele origin: germline.
Comment: For these reasons, this variant has been classified as Pathogenic. This variant has not been reported in the literature in individuals affected with ANK1-related conditions. This variant is not present in population databases (gnomAD no frequency). This sequence change creates a premature translational stop signal (p.Ser1583Profs*107) in the ANK1 gene. It is expected to result in an absent or disrupted protein product. Loss-of-function variants in ANK1 are known to be pathogenic (PMID: 8640229).

Literature cited by the submitters: PubMed 8640229.